The following is an entry in ClinVar:

NM_032888.4(COL27A1):c.2809G>A (p.Gly937Arg)

Gene: COL27A1 (collagen type XXVII alpha 1 chain; plus strand). Cytogenetic location: 9q32.
Variant type: single nucleotide variant.
Coding change: c.2809G>A on transcript NM_032888.4 (MANE Select); coding-DNA position 2809, G replaced by A.
Protein change: p.Gly937Arg; replaces glycine 937 with arginine.
Molecular consequence: missense variant.
Genome position (GRCh38, 1-based): chr9:114,240,461, G>A. VCF-style: chr9-114240461-G-A. GRCh37 (hg19) VCF-style: chr9-117002741-G-A.
Other names: short protein forms G937R.
Identifiers: ClinVar variation 2174028 (VCV002174028.4), dbSNP rs1832681636, ClinGen allele CA374591141.

ClinVar aggregate classification (germline): Uncertain significance (1 of 4 stars; one submission).

Submission:

Labcorp Genetics (formerly Invitae), Labcorp
Classification: Uncertain significance. Last evaluated: 2024-01-29. Review status: criteria provided, single submitter. Criteria: Invitae Variant Classification Sherloc (09022015). Collection method: clinical testing. Allele origin: germline.
Comment: This sequence change replaces glycine, which is neutral and non-polar, with arginine, which is basic and polar, at codon 937 of the COL27A1 protein (p.Gly937Arg). This variant is not present in population databases (gnomAD no frequency). This variant has not been reported in the literature in individuals affected with COL27A1-related conditions. ClinVar contains an entry for this variant (Variation ID: 2174028). Advanced modeling of protein sequence and biophysical properties (such as structural, functional, and spatial information, amino acid conservation, physicochemical variation, residue mobility, and thermodynamic stability) performed at Invitae indicates that this missense variant is expected to disrupt COL27A1 protein function with a positive predictive value of 80%. In summary, the available evidence is currently insufficient to determine the role of this variant in disease. Therefore, it has been classified as a Variant of Uncertain Significance.